The following is an entry in ClinVar:

ClinVar aggregate classification (germline): Likely benign (1 of 4 stars; one submission).

Allele frequency attached by ClinVar (database versions not stated): ExAC 0.00011; gnomAD exomes 0.00012; ESP Exome Variant Server 0.00015; gnomAD 0.00028; TOPMed 0.00030; 1000 Genomes Project 30x 0.00031; 1000 Genomes Project 0.00040.
gnomAD v4.1: 229 of 1,612,186 alleles (0.014%); highest among the groups gnomAD compares: Middle Eastern, 0.2%; no homozygotes.

Submission:

CeGaT Center for Human Genetics Tuebingen
Classification: Likely benign. Last evaluated: 2022-11-01. Review status: criteria provided, single submitter. Criteria: CeGaT Center For Human Genetics Tuebingen Variant Classification Criteria Version 2. Collection method: clinical testing. Allele origin: germline. Affected: yes. Observed: 1 variant allele.
Comment: SH3TC1: BP4, BP7

NM_018986.5(SH3TC1):c.2457C>T (p.Ala819=)

Gene: SH3TC1 (SH3 domain and tetratricopeptide repeats 1; plus strand). Cytogenetic location: 4p16.1.
Variant type: single nucleotide variant.
Coding change: c.2457C>T on transcript NM_018986.5 (MANE Select); coding-DNA position 2457, C replaced by T.
Protein change: p.Ala819=; no amino-acid change (alanine 819 retained).
Molecular consequence: synonymous variant. On other transcripts: non-coding transcript variant (1).
Genome position (GRCh38, 1-based): chr4:8,228,151, C>T. VCF-style: chr4-8228151-C-T. GRCh37 (hg19) VCF-style: chr4-8229878-C-T.
Other names: c.2229C>T, p.Ala743= (NM_001318480.2); c.2376C>T, p.Ala792= (NM_001410712.1).
Identifiers: ClinVar variation 2654648 (VCV002654648.24), dbSNP rs186755821, ClinGen allele CA2849603.